The following is an entry in ClinVar:

NM_001329943.3(KIAA0586):c.2717A>G (p.Tyr906Cys)

Gene: KIAA0586 (KIAA0586; plus strand). Cytogenetic location: 14q23.1.
Variant type: single nucleotide variant.
Coding change: c.2717A>G on transcript NM_001329943.3 (MANE Select); coding-DNA position 2717, A replaced by G.
Protein change: p.Tyr906Cys; replaces tyrosine 906 with cysteine.
Molecular consequence: missense variant.
Genome position (GRCh38, 1-based): chr14:58,474,689, A>G. VCF-style: chr14-58474689-A-G. GRCh37 (hg19) VCF-style: chr14-58941407-A-G.
Other names: c.2876A>G, p.Tyr959Cys (NM_001244189.2); c.2672A>G, p.Tyr891Cys (NM_001244190.2); c.2462A>G, p.Tyr821Cys (NM_001244191.2, NM_001329945.2, NM_001364700.1 and 1 more transcripts); c.2585A>G, p.Tyr862Cys (NM_001244192.2); c.2297A>G, p.Tyr766Cys (NM_001244193.2); c.2717A>G, p.Tyr906Cys (NM_001329944.2, NM_001329946.2, NM_001329947.2); c.2489A>G, p.Tyr830Cys (NM_014749.5); short protein forms Y821C, Y906C, Y959C, Y766C, Y830C, Y891C, Y862C.
Identifiers: ClinVar variation 2010405 (VCV002010405.4), dbSNP rs2543398840, ClinGen allele CA389877871.

ClinVar aggregate classification (germline): Uncertain significance (1 of 4 stars; one submission).

Conditions:
Joubert syndrome 23 (JBTS23). Identifiers: Orphanet 475, MedGen C4084822, MONDO:0014664, OMIM 616490.
Short-rib thoracic dysplasia 14 with polydactyly (SRTD14). Identifiers: Orphanet 397715, MedGen C4225286, MONDO:0014688, OMIM 616546.

gnomAD v4.1: 1 of 1,613,454 alleles (0.000062%); highest among the groups gnomAD compares: Non-Finnish European, 0.000085%; no homozygotes.

Submission:

Labcorp Genetics (formerly Invitae), Labcorp
Classification: Uncertain significance for Joubert syndrome 23; Short-rib thoracic dysplasia 14 with polydactyly. Last evaluated: 2022-06-24. Review status: criteria provided, single submitter. Criteria: Invitae Variant Classification Sherloc (09022015). Collection method: clinical testing. Allele origin: germline.
Comment: In summary, the available evidence is currently insufficient to determine the role of this variant in disease. Therefore, it has been classified as a Variant of Uncertain Significance. Algorithms developed to predict the effect of missense changes on protein structure and function (SIFT, PolyPhen-2, Align-GVGD) all suggest that this variant is likely to be disruptive. This variant has not been reported in the literature in individuals affected with KIAA0586-related conditions. This variant is not present in population databases (gnomAD no frequency). This sequence change replaces tyrosine, which is neutral and polar, with cysteine, which is neutral and slightly polar, at codon 959 of the KIAA0586 protein (p.Tyr959Cys).